The following is an entry in ClinVar:

NM_016599.5(MYOZ2):c.247-18A>G

Gene: MYOZ2 (myozenin 2; plus strand). Cytogenetic location: 4q26.
Variant type: single nucleotide variant.
Coding change: c.247-18A>G on transcript NM_016599.5 (MANE Select); 18 bases into the intron before coding-DNA position 247, A replaced by G.
Molecular consequence: intron variant.
Genome position (GRCh38, 1-based): chr4:119,158,004, A>G. VCF-style: chr4-119158004-A-G. GRCh37 (hg19) VCF-style: chr4-120079159-A-G.
Identifiers: ClinVar variation 31787 (VCV000031787.15), dbSNP rs11721566, ClinGen allele CA215281.

ClinVar aggregate classification (germline): Benign. Review status: criteria provided, multiple submitters, no conflicts (2 of 4 stars). 9 submissions from 9 submitters: Benign (5). 4 of the submissions do not count toward it. Last evaluated 2026-02-04.

Conditions:
Hypertrophic cardiomyopathy 16. Identifiers: MedGen C3151204, MONDO:0013455, OMIM 613838.
Hypertrophic cardiomyopathy. Also called: HYPERTROPHIC MYOCARDIOPATHY. Identifiers: Orphanet 217569, MedGen C0007194, MeSH D002312, MONDO:0005045, HP:0001639.

Allele frequency attached by ClinVar (database versions not stated): 1000 Genomes Project 30x 0.53545; 1000 Genomes Project 0.54633; TOPMed 0.57629; gnomAD 0.58647 and 0.59136; ESP Exome Variant Server 0.58934; ExAC 0.64943.

Submissions (9):

Labcorp Genetics (formerly Invitae), Labcorp
Classification: Benign for Hypertrophic cardiomyopathy. Last evaluated: 2026-02-04. Review status: criteria provided, single submitter. Criteria: Invitae Variant Classification Sherloc (09022015). Collection method: clinical testing. Allele origin: germline.

Clinical Genetics DNA and cytogenetics Diagnostics Lab, Erasmus MC, Erasmus Medical Center
Classification: Benign for Hypertrophic cardiomyopathy 16. Last evaluated: 2015-09-21. Review status: criteria provided, single submitter. Criteria: ACGS Guidelines, 2013. Collection method: clinical testing. Allele origin: germline. Affected: yes. Study: VKGL Data-share Consensus.

Genome Diagnostics Laboratory, University Medical Center Utrecht
Classification: Benign for Hypertrophic cardiomyopathy 16. Last evaluated: 2014-10-09. Review status: criteria provided, single submitter. Criteria: ACGS Guidelines, 2013. Collection method: clinical testing. Allele origin: germline. Affected: yes. Study: VKGL Data-share Consensus.

GeneDx
Classification: Benign. Last evaluated: 2014-01-08. Review status: criteria provided, single submitter. Criteria: GeneDx Variant Classification (06012015). Collection method: clinical testing. Allele origin: germline. Affected: yes.
Comment: This variant is considered likely benign or benign based on one or more of the following criteria: it is a conservative change, it occurs at a poorly conserved position in the protein, it is predicted to be benign by multiple in silico algorithms, and/or has population frequency not consistent with disease.

Breakthrough Genomics
Classification: Benign. Review status: criteria provided, single submitter. Criteria: ACMG Guidelines, 2015. Collection method: not provided. Allele origin: germline. Inheritance: Autosomal dominant inheritance. Affected: yes.

Leiden Muscular Dystrophy (MYOZ2)
No classification provided. Last evaluated: 2012-04-20. Review status: no classification provided. Collection method: curation. Allele origin: germline. Not counted in ClinVar's aggregate classification.

Clinical Genetics, Academic Medical Center
Classification: Benign. Review status: no assertion criteria provided. Collection method: clinical testing. Allele origin: germline. Affected: yes. Study: VKGL Data-share Consensus. Not counted in ClinVar's aggregate classification.

Diagnostic Laboratory, Department of Genetics, University Medical Center Groningen
Classification: Benign for Hypertrophic cardiomyopathy 16. Review status: no assertion criteria provided. Collection method: clinical testing. Allele origin: germline. Affected: yes. Study: VKGL Data-share Consensus. Not counted in ClinVar's aggregate classification.

Joint Genome Diagnostic Labs from Nijmegen and Maastricht, Radboudumc and MUMC+
Classification: Benign. Review status: no assertion criteria provided. Collection method: clinical testing. Allele origin: germline. Affected: yes. Study: VKGL Data-share Consensus. Not counted in ClinVar's aggregate classification.